The following is an entry in ClinVar:

ClinVar aggregate classification (germline): Pathogenic. Review status: criteria provided, multiple submitters, no conflicts (2 of 4 stars). 13 submissions from 13 submitters: Pathogenic (11). 2 of the submissions do not count toward it. Last evaluated 2025-11-16.

Conditions:
Walker-Warburg congenital muscular dystrophy. Also called: Muscular dystrophy-dystroglycanopathy, type A; Walker-Warburg syndrome. Identifiers: Orphanet 899, MedGen C0265221, MONDO:0000171.
Cardiovascular phenotype. Identifiers: MedGen CN230736.
Muscular dystrophy-dystroglycanopathy (congenital with brain and eye anomalies), type A, 4 (MDDGA4). Also called: Congenital muscular dystrophy-dystroglycanopathy with brain and eye anomalies, type A4; WALKER-WARBURG SYNDROME OR MUSCLE-EYE-BRAIN DISEASE, FKTN-RELATED; Muscular dystrophy, congenital progressive, with mental retardation; Muscular dystrophy, congenital, with central nervous system involvement; Cerebromuscular dystrophy, Fukuyama type; Fukuyama congenital muscular dystrophy. Identifiers: Orphanet 272, Orphanet 588, Orphanet 899, MedGen C0410174, MONDO:0009678, OMIM 253800.
Dilated cardiomyopathy 1X (CMD1X). Also called: CARDIOMYOPATHY, DILATED, WITH MILD OR NO PROXIMAL MUSCLE WEAKNESS; FKTN-Related Dilated Cardiomyopathy. Identifiers: Orphanet 154, MedGen C1969024, MONDO:0012704, OMIM 611615.

Allele frequency attached by ClinVar (database versions not stated): gnomAD exomes 0.00002 and 0.00001; gnomAD 0.00001; ExAC 0.00002.

Submissions (13):

Labcorp Genetics (formerly Invitae), Labcorp
Classification: Pathogenic for Walker-Warburg congenital muscular dystrophy. Last evaluated: 2025-11-16. Review status: criteria provided, single submitter. Criteria: Invitae Variant Classification Sherloc (09022015). Collection method: clinical testing. Allele origin: germline.
Comment: This sequence change creates a premature translational stop signal (p.Arg47*) in the FKTN gene. It is expected to result in an absent or disrupted protein product. Loss-of-function variants in FKTN are known to be pathogenic (PMID: 17044012, 17878207, 18752264). This variant is present in population databases (rs119463990, gnomAD 0.003%). This premature translational stop signal has been observed in individual(s) with Fukuyama-type congenital muscular dystrophy (PMID: 9690476, 19842201; internal data). In at least one individual the data is consistent with being in trans (on the opposite chromosome) from a pathogenic variant. ClinVar contains an entry for this variant (Variation ID: 3200). For these reasons, this variant has been classified as Pathogenic.

Dasa
Classification: Pathogenic. Last evaluated: 2025-10-31. Review status: criteria provided, single submitter. Criteria: DASA Assertion Criteria. Collection method: clinical testing. Allele origin: germline.
Comment: NM_001079802.2(FKTN):c.139C>T (p.Arg47*) introduces a premature termination codon predicted to result in loss of normal protein function. Loss-of-function is an established mechanism of disease for this gene. This variant has been observed in affected individuals with related phenotype in a genotype context consistent with recessive disease (PMID: 20961758; PMID: 19179078; PMID: 25814170). This variant has been recurrently observed in individuals with related phenotype (PMID: 20961758; PMID: 19179078; PMID: 25814170). The variant is present at low frequency in population datasets. Based on the available data, this variant is classified as pathogenic.

Baylor Genetics
Classification: Pathogenic for Dilated cardiomyopathy 1X. Last evaluated: 2024-03-09. Review status: criteria provided, single submitter. Criteria: ACMG Guidelines, 2015. Collection method: clinical testing. Allele origin: unknown.

Ambry Genetics
Classification: Pathogenic for Cardiovascular phenotype. Last evaluated: 2023-08-14. Review status: criteria provided, single submitter. Criteria: Ambry Variant Classification Scheme 2023. Collection method: clinical testing. Allele origin: germline.
Comment: The p.R47* pathogenic mutation (also known as c.139C>T), located in coding exon 2 of the FKTN gene, results from a C to T substitution at nucleotide position 139. This changes the amino acid from an arginine to a stop codon within coding exon 2. This variant has co-occurred with other mutations in the FKTN gene in several individuals with muscular dystrophy phenotypes, including in trans co-occurrences (Kobayashi K et al. Nature, 1998 Jul;394:388-92; Matsumoto H et al. Neuromuscul Disord, 2005 May;15:342-8; Vuillaumier-Barrot S et al. Neuromuscul Disord, 2009 Mar;19:182-8; Xiong H et al. Am J Med Genet A, 2009 Nov;149A:2403-8; Kondo H et al. Jpn J Ophthalmol, 2010 Nov;54:622-4; Yis U et al. Neuromuscul Disord, 2011 Jan;21:20-30; Kobayashi K et al. J Hum Genet, 2017 Nov;62:945-948). This variant is considered to be rare based on population cohorts in the Genome Aggregation Database (gnomAD). This alteration is expected to result in loss of function by premature protein truncation or nonsense-mediated mRNA decay. As such, this alteration is interpreted as a disease-causing mutation.

Mayo Clinic Laboratories, Mayo Clinic
Classification: Pathogenic. Last evaluated: 2023-07-17. Review status: criteria provided, single submitter. Criteria: ACMG Guidelines, 2015. Collection method: clinical testing. Allele origin: germline. Observed: 1 variant allele.
Comment: PM2_moderate, PM3, PS4_moderate, PVS1

Neuberg Centre For Genomic Medicine, NCGM
Classification: Pathogenic for Muscular dystrophy-dystroglycanopathy (congenital with brain and eye anomalies), type A, 4. Last evaluated: 2023-06-22. Review status: criteria provided, single submitter. Criteria: ACMG Guidelines, 2015. Collection method: clinical testing. Allele origin: germline. Inheritance: Autosomal dominant inheritance. Affected: yes.
Comment: The stop-gained variant c.139C>T p.Arg47Ter in the FKTN gene has been reported in compound heterozygous and heterozygous state in individuals affected with Fukuyama congenital muscular dystrophy FCMD Yang et al., 2015; Kitamura et al., 2016. The variant has 0.001% allele frequency in gnomAD Exomes and is novel not in any individuals in 1000 Genomes. This variant has been reported to the ClinVar database as Pathogenic multiple submitters. This variant is predicted to cause loss of normal protein function through protein truncation. Loss of function variants have been previously reported to be disease causing. For these reasons, this variant has been classified as Pathogenic. In the absence of another reportable variant, the molecular diagnosis is not confirmed.

Athena Diagnostics
Classification: Pathogenic. Last evaluated: 2021-09-24. Review status: criteria provided, single submitter. Criteria: Athena Diagnostics Criteria. Collection method: clinical testing. Allele origin: unknown.
Comment: This variant is expected to result in the loss of a functional protein. The frequency of this variant in the general population is consistent with pathogenicity. In multiple individuals, this variant has been seen with a single recessive pathogenic variant in the same gene, suggesting this variant may also be pathogenic.

Women's Health and Genetics/Laboratory Corporation of America, LabCorp
Classification: Pathogenic for Muscular dystrophy-dystroglycanopathy (congenital with brain and eye anomalies), type A, 4. Last evaluated: 2021-06-10. Review status: criteria provided, single submitter. Criteria: LabCorp Variant Classification Summary - May 2015. Collection method: clinical testing. Allele origin: germline.
Comment: Variant summary: FKTN c.139C>T (p.Arg47X) results in a premature termination codon, predicted to cause a truncation of the encoded protein or absence of the protein due to nonsense mediated decay, which are commonly known mechanisms for disease. Truncations downstream of this position have been classified as pathogenic by our laboratory. The variant allele was found at a frequency of 1.6e-05 in 251276 control chromosomes. c.139C>T has been reported in the literature in multiple individuals affected with Fukuyama congenital muscular dystrophy (FCMD) (example, Kobayashi_1998, Vuillaumier-Barrot_2009, Xiong_2009, Yang_2015, Kitamura_2016) and at-least one patient with Walker-Warburg syndrome (WWS) (example, Yis_2011). These data indicate that the variant is very likely to be associated with disease. Two clinical diagnostic laboratories have submitted clinical-significance assessments for this variant to ClinVar after 2014 without evidence for independent evaluation. All laboratories classified the variant as pathogenic. Based on the evidence outlined above, the variant was classified as pathogenic.

Revvity Omics, Revvity
Classification: Pathogenic. Last evaluated: 2019-10-31. Review status: criteria provided, single submitter. Criteria: ACMG Guidelines, 2015. Collection method: clinical testing. Allele origin: germline.

GeneDx
Classification: Pathogenic. Last evaluated: 2019-10-21. Review status: criteria provided, single submitter. Criteria: GeneDx Variant Classification Process June 2021. Collection method: clinical testing. Allele origin: germline. Affected: yes.
Comment: Reported in ClinVar as a pathogenic variant (ClinVar Variant ID# 3200; Landrum et al., 2016); Not observed at a significant frequency in large population cohorts (Lek et al., 2016); Nonsense variant predicted to result in protein truncation or nonsense mediated decay in a gene for which loss-of-function is a known mechanism of disease; This variant is associated with the following publications: (PMID: 30564623, 9690476, 25814170, 20961758, 19179078, 11165248, 24144914, 23582336, 21191726, 23891399, 25525159, 19842201)

Eurofins Ntd Llc (ga)
Classification: Pathogenic. Last evaluated: 2017-03-17. Review status: criteria provided, single submitter. Criteria: EGL Classification Definitions 2015. Collection method: clinical testing. Allele origin: germline. Observed: 1 variant allele, 1 heterozygote.

Natera, Inc.
Classification: Pathogenic for Walker-Warburg congenital muscular dystrophy. Last evaluated: 2021-03-26. Review status: no assertion criteria provided. Collection method: clinical testing. Allele origin: germline. Not counted in ClinVar's aggregate classification.

OMIM
Classification: Pathogenic for MUSCULAR DYSTROPHY-DYSTROGLYCANOPATHY (CONGENITAL WITH BRAIN AND EYE ANOMALIES), TYPE A, 4. Last evaluated: 1998-07-23. Review status: no assertion criteria provided. Collection method: literature only. Allele origin: germline. Not counted in ClinVar's aggregate classification.

Literature cited by the submitters: PubMed 17044012 (cited by Labcorp Genetics (formerly Invitae), Labcorp); PubMed 17878207 (cited by Labcorp Genetics (formerly Invitae), Labcorp); PubMed 18752264 (cited by Labcorp Genetics (formerly Invitae), Labcorp); PubMed 9690476 (cited by 6 submitters); PubMed 19842201 (cited by 6 submitters); PubMed 20961758 (cited by 4 submitters); PubMed 19179078 (cited by 4 submitters); PubMed 25814170 (cited by 5 submitters); PubMed 15833426 (cited by Ambry Genetics); PubMed 21191726 (cited by Ambry Genetics); PubMed 28680109 (cited by Ambry Genetics); PubMed 25525159 (cited by Mayo Clinic Laboratories, Mayo Clinic); PubMed 35131284 (cited by Mayo Clinic Laboratories, Mayo Clinic); PubMed 27357428 (cited by Women's Health and Genetics/Laboratory Corporation of America, LabCorp).

NM_001079802.2(FKTN):c.139C>T (p.Arg47Ter)

Gene: FKTN (fukutin; plus strand). Cytogenetic location: 9q31.2.
Variant type: single nucleotide variant.
Coding change: c.139C>T on transcript NM_001079802.2 (MANE Select); coding-DNA position 139, C replaced by T.
Protein change: p.Arg47Ter; replaces arginine 47 with a stop codon.
Molecular consequence: nonsense. On other transcripts: 5 prime UTR variant (5), non-coding transcript variant (2).
Genome position (GRCh38, 1-based): chr9:105,596,631, C>T. VCF-style: chr9-105596631-C-T. GRCh37 (hg19) VCF-style: chr9-108358912-C-T.
Other names: p.Arg47*; c.139C>T, p.Arg47Ter (NM_001198963.2, NM_001351496.2, NM_001351498.2 and 1 more transcripts); c.-29C>T (NM_001351497.2); c.-376C>T (NM_001351499.2, NM_001351500.2, NM_001351501.2 and 1 more transcripts); short protein forms R47*.
Identifiers: ClinVar variation 3200 (VCV000003200.44), dbSNP rs119463990, ClinGen allele CA116054.